The following is an entry in ClinVar:

NM_000368.5(TSC1):c.2626-5_2626-4dup

Gene: TSC1 (TSC complex subunit 1; minus strand). Cytogenetic location: 9q34.13.
Variant type: Duplication.
Coding change: c.2626-5_2626-4dup on transcript NM_000368.5 (MANE Select); 5 bases into the intron before coding-DNA position 2626 through 4 bases into the intron before coding-DNA position 2626, 2 bases duplicated (TT; older notation c.2626-5_2626-4dupTT).
Molecular consequence: intron variant.
Genome position (GRCh38, 1-based): chr9:132,897,614-132,897,615, AA duplicated on the plus strand (TT on the coding strand, the reverse complement: TSC1 is on the minus strand); duplicating any 2 consecutive bases within chr9:132,897,614-132,897,631 gives the same sequence; the c. name uses the placement nearest the transcript's 3' end. VCF-style (leftmost placement, unchanged base first): chr9-132897613-G-GAA. GRCh37 (hg19) VCF-style: chr9-135773000-G-GAA.
Other names: p.?; c.2263-5_2263-4dup (NM_001362177.2); c.2473-5_2473-4dup (NM_001162427.2); c.2623-5_2623-4dup (NM_001162426.2); c.2626-5_2626-4dupTT (NM_000368.4).
Identifiers: ClinVar variation 495837 (VCV000495837.23), dbSNP rs5901000, ClinGen allele CA242026.

ClinVar aggregate classification (germline): Benign. Review status: criteria provided, multiple submitters, no conflicts (2 of 4 stars). 15 submissions from 15 submitters: Benign (13). 2 of the submissions do not count toward it. Last evaluated 2026-02-02.

Conditions:
Lymphangiomyomatosis (LAM). Also called: Lymphangioleiomyomatosis, somatic; Lymphangioleiomyomatosis. Identifiers: Orphanet 538, MedGen C0751674, MONDO:0011705, OMIM 606690.
Tuberous sclerosis 1 (TSC1). Identifiers: Orphanet 805, MedGen C1854465, MONDO:0008612, OMIM 191100.
Isolated focal cortical dysplasia type II (FCORD2). Also called: CORTICAL DYSPLASIA OF TAYLOR; Focal cortical dysplasia type II. Identifiers: Orphanet 268994, MedGen C1846385, MONDO:0011818, OMIM 607341, HP:0032051.
Hereditary cancer-predisposing syndrome. Also called: Hereditary neoplastic syndrome; Neoplastic Syndromes, Hereditary; Tumor predisposition; Hereditary Cancer Syndrome. Identifiers: Orphanet 140162, MedGen C0027672, MeSH D009386, MONDO:0015356.
Tuberous sclerosis syndrome (TSC). Also called: Tuberous Sclerosis Complex; Tuberous sclerosis. Identifiers: Orphanet 805, MedGen C0041341, MONDO:0001734.

Submissions (15):

Labcorp Genetics (formerly Invitae), Labcorp
Classification: Benign for Tuberous sclerosis 1. Last evaluated: 2026-02-02. Review status: criteria provided, single submitter. Criteria: Invitae Variant Classification Sherloc (09022015). Collection method: clinical testing. Allele origin: germline.

Myriad Genetics, Inc.
Classification: Benign for Tuberous sclerosis 1. Last evaluated: 2025-04-28. Review status: criteria provided, single submitter. Criteria: Myriad Autosomal Dominant, Autosomal Recessive and X-Linked Classification Criteria (2023). Collection method: clinical testing. Allele origin: unknown.
Comment: This variant is considered benign. This variant is intronic and is not expected to impact mRNA splicing.

Laboratory of Genetics, Children's Clinical University Hospital Latvia
Classification: Benign. Last evaluated: 2025-02-16. Review status: criteria provided, single submitter. Criteria: ACMG Guidelines, 2015. Collection method: clinical testing. Allele origin: germline. Affected: yes.

Blueprint Genetics
Classification: Benign. Last evaluated: 2024-11-27. Review status: criteria provided, single submitter. Criteria: ACMG Guidelines, 2015. Collection method: clinical testing. Allele origin: germline.

Mayo Clinic Laboratories, Mayo Clinic
Classification: Benign. Last evaluated: 2024-04-02. Review status: criteria provided, single submitter. Criteria: ACMG Guidelines, 2015. Collection method: clinical testing. Allele origin: germline. Observed: 420 variant alleles.
Comment: BA1, BP4, BP7

Fulgent Genetics
Classification: Benign for Tuberous sclerosis 1; Lymphangiomyomatosis; Isolated focal cortical dysplasia type II. Last evaluated: 2022-05-18. Review status: criteria provided, single submitter. Criteria: ACMG Guidelines, 2015. Collection method: clinical testing. Allele origin: unknown.

Genome-Nilou Lab
Classification: Benign for Tuberous sclerosis 1. Last evaluated: 2021-11-07. Review status: criteria provided, single submitter. Criteria: ACMG Guidelines, 2015. Collection method: clinical testing. Allele origin: germline. Affected: no.

Ambry Genetics
Classification: Benign for Hereditary cancer-predisposing syndrome. Last evaluated: 2020-07-06. Review status: criteria provided, single submitter. Criteria: Ambry Variant Classification Scheme 2023. Collection method: clinical testing. Allele origin: germline.

Sema4
Classification: Benign for Hereditary cancer-predisposing syndrome. Last evaluated: 2019-12-09. Review status: criteria provided, single submitter. Criteria: Sema4 Curation Guidelines. Collection method: curation. Allele origin: germline.

GeneDx
Classification: Benign. Last evaluated: 2019-08-11. Review status: criteria provided, single submitter. Criteria: GeneDx Variant Classification Process June 2021. Collection method: clinical testing. Allele origin: germline. Affected: yes.

Color Diagnostics, LLC DBA Color Health
Classification: Benign for Tuberous sclerosis syndrome. Last evaluated: 2018-03-05. Review status: criteria provided, single submitter. Criteria: ACMG Guidelines, 2015. Collection method: clinical testing. Allele origin: germline.

Women's Health and Genetics/Laboratory Corporation of America, LabCorp
Classification: Benign. Last evaluated: 2016-05-26. Review status: criteria provided, single submitter. Criteria: LabCorp Variant Classification Summary - May 2015. Collection method: clinical testing. Allele origin: germline.
Comment: Variant summary: The TSC1 c.2626-5_2626-4dupTT variant involves the duplication of two intronic nucleotides. One in silico tool predicts a benign outcome for this variant. 5/5 splice prediction tools predict no significant impact on normal splicing. However, these predictions have yet to be confirmed by functional studies. This variant was found in 12290/80186 control chromosomes (278 homozygotes) at a frequency of 0.1532687, which greatly exceeds the estimated maximal expected allele frequency of a pathogenic TSC1 variant (0.000025), suggesting this variant is likely a benign polymorphism. In addition, one clinical diagnostic lab/reputable database classified this variant as benign. The variant of interest has not, to our knowledge, been reported in affected individuals via publications nor evaluated for functional impact by in vivo/vitro studies. Taken together, this variant is classified as benign.

Genomic Diagnostic Laboratory, Division of Genomic Diagnostics, Children's Hospital of Philadelphia
Classification: Benign for Tuberous sclerosis 1. Last evaluated: 2015-07-10. Review status: criteria provided, single submitter. Criteria: DGD Variant Analysis Guidelines. Collection method: clinical testing. Allele origin: unknown.

Genome Diagnostics Laboratory, University Medical Center Utrecht
Classification: Benign. Review status: no assertion criteria provided. Collection method: clinical testing. Allele origin: germline. Affected: yes. Study: VKGL Data-share Consensus. Not counted in ClinVar's aggregate classification.

Laboratory of Diagnostic Genome Analysis, Leiden University Medical Center (LUMC)
Classification: Benign. Review status: no assertion criteria provided. Collection method: clinical testing. Allele origin: germline. Affected: yes. Study: VKGL Data-share Consensus. Not counted in ClinVar's aggregate classification.